The following is an entry in ClinVar:

ClinVar aggregate classification (germline): Uncertain significance. Review status: criteria provided, multiple submitters, no conflicts (2 of 4 stars). 2 submissions from 2 submitters: Uncertain significance (2). Last evaluated 2025-12-13.

Conditions:
Developmental and epileptic encephalopathy, 14 (DEE14). Also called: Early infantile epileptic encephalopathy 14. Identifiers: Orphanet 293181, MedGen C3554195, MONDO:0013989, OMIM 614959.
Autosomal dominant nocturnal frontal lobe epilepsy 5. Also called: Epilepsy, nocturnal frontal lobe, 5; KCNT1-Related Epilepsy; CILIARY DYSKINESIA, PRIMARY, 28, WITHOUT SITUS INVERSUS; CILIARY DYSKINESIA, PRIMARY, 28, WITH SITUS INVERSUS. Identifiers: Orphanet 98784, MedGen C3554306, MONDO:0014002, OMIM 615005.

Allele frequency attached by ClinVar (database versions not stated): gnomAD exomes 0.00001; TOPMed 0.00001; gnomAD 0.00003.
gnomAD v4.1: 17 of 1,613,414 alleles (0.0011%); highest among the groups gnomAD compares: Non-Finnish European, 0.0013%; no homozygotes.

Submissions (2):

Labcorp Genetics (formerly Invitae), Labcorp
Classification: Uncertain significance for Autosomal dominant nocturnal frontal lobe epilepsy 5; Developmental and epileptic encephalopathy, 14. Last evaluated: 2025-12-13. Review status: criteria provided, single submitter. Criteria: Invitae Variant Classification Sherloc (09022015). Collection method: clinical testing. Allele origin: germline.
Comment: This sequence change replaces valine, which is neutral and non-polar, with methionine, which is neutral and non-polar, at codon 374 of the KCNT1 protein (p.Val374Met). This variant is present in population databases (no rsID available, gnomAD 0.02%). This variant has not been reported in the literature in individuals affected with KCNT1-related conditions. ClinVar contains an entry for this variant (Variation ID: 3252414). Invitae Evidence Modeling of protein sequence and biophysical properties (such as structural, functional, and spatial information, amino acid conservation, physicochemical variation, residue mobility, and thermodynamic stability) indicates that this missense variant is expected to disrupt KCNT1 protein function with a positive predictive value of 80%. In summary, the available evidence is currently insufficient to determine the role of this variant in disease. Therefore, it has been classified as a Variant of Uncertain Significance.

GeneDx
Classification: Uncertain significance. Last evaluated: 2023-12-01. Review status: criteria provided, single submitter. Criteria: GeneDx Variant Classification Process June 2021. Collection method: clinical testing. Allele origin: germline. Affected: yes.
Comment: In silico analysis supports that this missense variant has a deleterious effect on protein structure/function; Has not been previously published as pathogenic or benign to our knowledge

NM_020822.3(KCNT1):c.1120G>A (p.Val374Met)

Gene: KCNT1 (potassium sodium-activated channel subfamily T member 1; plus strand). Cytogenetic location: 9q34.3.
Variant type: single nucleotide variant.
Coding change: c.1120G>A on transcript NM_020822.3 (MANE Select); coding-DNA position 1120, G replaced by A.
Protein change: p.Val374Met; replaces valine 374 with methionine.
Molecular consequence: missense variant.
Genome position (GRCh38, 1-based): chr9:135,765,115, G>A. VCF-style: chr9-135765115-G-A. GRCh37 (hg19) VCF-style: chr9-138656961-G-A.
Other names: c.985G>A, p.Val329Met (NM_001272003.2); short protein forms V329M, V374M.
Identifiers: ClinVar variation 3252414 (VCV003252414.2), dbSNP rs1274830087.
Genomic context (GRCh38, chr9:135,765,115, plus strand): 5'-ATGGAGCGGCAGAAGTCAGGGGGCAACTACAGCCGCCACCGTGCGCAGACGGAGAAGCAC[G>A]TGGTCCTGTGTGTCAGCTCCCTCAAGATCGACCTTCTCATGGACTTCCTGAACGAGTTCT-3'
Protein context (NP_065873.2, residues 364-384): SRHRAQTEKH[Val374Met]VLCVSSLKID